The following is an entry in ClinVar:

ClinVar aggregate classification (germline): Pathogenic (1 of 4 stars; one submission).

Conditions:
Familial cancer of breast. Also called: Hereditary breast cancer; hereditary breast carcinoma; BREAST CANCER, FAMILIAL. Identifiers: Orphanet 227535, MedGen C0346153, MONDO:0016419, OMIM 114480. Disease mechanism: loss of function.

Submission:

Labcorp Genetics (formerly Invitae), Labcorp
Classification: Pathogenic for Familial cancer of breast. Last evaluated: 2019-03-30. Review status: criteria provided, single submitter. Criteria: Invitae Variant Classification Sherloc (09022015). Collection method: clinical testing. Allele origin: germline.
Comment: This sequence change creates a premature translational stop signal (p.Glu347Asnfs*9) in the PALB2 gene. It is expected to result in an absent or disrupted protein product. For these reasons, this variant has been classified as Pathogenic. Loss-of-function variants in PALB2 are known to be pathogenic (PMID: 17200668, 24136930, 25099575). This variant has not been reported in the literature in individuals with PALB2-related conditions. This variant is not present in population databases (ExAC no frequency).

Literature cited by the submitters: PubMed 17200668; PubMed 24136930; PubMed 25099575.

NM_024675.4(PALB2):c.1038del (p.Glu347fs)

Gene: PALB2 (partner and localizer of BRCA2; minus strand). Cytogenetic location: 16p12.2.
Variant type: Deletion.
Coding change: c.1038del on transcript NM_024675.4 (MANE Select); coding-DNA position 1038, one base deleted (A; older notation c.1038delA).
Protein change: p.Glu347fs; shifts the reading frame from glutamic acid 347.
Molecular consequence: frameshift variant.
Genome position (GRCh38, 1-based): chr16:23,635,508, T deleted on the plus strand (A on the coding strand, the reverse complement: PALB2 is on the minus strand); the first of 4 consecutive T bases (chr16:23,635,508-23,635,511); deleting any one gives the same sequence. VCF-style (leftmost placement, unchanged base first): chr16-23635507-CT-C. GRCh37 (hg19) VCF-style: chr16-23646828-CT-C.
Other names: short protein forms E347fs.
Identifiers: ClinVar variation 853128 (VCV000853128.8), dbSNP rs1597097438, ClinGen allele CA916081813.
Genomic context (GRCh38, chr16:23,635,507, plus strand): 5'-CATTCCTGCCATCAAGAGTGTCACTGGGAGATTTTAAAGATTTCTCTGTTTGATTTTGTT[CT>C]TTTAAGTTTTGGTTTTCATTTGCTGGTAAGTTATTGTAGGTGAGTTCATTTAGAGAACAT-3'